The following is an entry in ClinVar:

NM_000787.4(DBH):c.575T>C (p.Leu192Pro)

Gene: DBH (dopamine beta-hydroxylase; plus strand). Cytogenetic location: 9q34.2.
Variant type: single nucleotide variant.
Coding change: c.575T>C on transcript NM_000787.4 (MANE Select); coding-DNA position 575, T replaced by C.
Protein change: p.Leu192Pro; replaces leucine 192 with proline.
Molecular consequence: missense variant.
Genome position (GRCh38, 1-based): chr9:133,642,295, T>C. VCF-style: chr9-133642295-T-C. GRCh37 (hg19) VCF-style: chr9-136507417-T-C.
Other names: short protein forms L192P.
Identifiers: ClinVar variation 2102975 (VCV002102975.4), dbSNP rs2538340453, ClinGen allele CA375411107.

ClinVar aggregate classification (germline): Uncertain significance (1 of 4 stars; one submission).

Conditions:
Orthostatic hypotension 1 (ORTHYP1). Also called: Orthostatic hypotension 1, due to DBH deficiency; Dopamine beta-hydroxylase deficiency; NORADRENALINE DEFICIENCY; NOREPINEPHRINE DEFICIENCY. Identifiers: Orphanet 230, MedGen C4746777, MONDO:0009123, OMIM 223360.

Submission:

Labcorp Genetics (formerly Invitae), Labcorp
Classification: Uncertain significance for Orthostatic hypotension 1. Last evaluated: 2022-03-18. Review status: criteria provided, single submitter. Criteria: Invitae Variant Classification Sherloc (09022015). Collection method: clinical testing. Allele origin: germline.
Comment: This sequence change replaces leucine, which is neutral and non-polar, with proline, which is neutral and non-polar, at codon 192 of the DBH protein (p.Leu192Pro). This variant is not present in population databases (gnomAD no frequency). This variant has not been reported in the literature in individuals affected with DBH-related conditions. Algorithms developed to predict the effect of missense changes on protein structure and function are either unavailable or do not agree on the potential impact of this missense change (SIFT: "Tolerated"; PolyPhen-2: "Probably Damaging"; Align-GVGD: "Class C0"). In summary, the available evidence is currently insufficient to determine the role of this variant in disease. Therefore, it has been classified as a Variant of Uncertain Significance.